The following is an entry in ClinVar:

NM_000138.5(FBN1):c.165-32del

Gene: FBN1 (fibrillin 1; minus strand). Cytogenetic location: 15q21.1.
Variant type: Deletion.
Coding change: c.165-32del on transcript NM_000138.5 (MANE Select); 32 bases into the intron before coding-DNA position 165, one base deleted (T; older notation c.165-32delT).
Molecular consequence: intron variant.
Genome position (GRCh38, 1-based): chr15:48,613,124, A deleted on the plus strand (T on the coding strand, the reverse complement: FBN1 is on the minus strand); the first of 8 consecutive A bases (chr15:48,613,124-48,613,131); deleting any one gives the same sequence. VCF-style (leftmost placement, unchanged base first): chr15-48613123-TA-T. GRCh37 (hg19) VCF-style: chr15-48905320-TA-T.
Other names: c.165-32delT (NM_000138.4).
Identifiers: ClinVar variation 36035 (VCV000036035.3), dbSNP rs193922180, ClinGen allele CA012399.
Genomic context (GRCh38, chr15:48,613,123, plus strand): 5'-GCATTATAACGTGATCCACAGACATTGGGTCTAAAACAAAAACAGAAGAATTCCATACTT[TA>T]AAAAAAAGAAGAAGAGGAAGAGATGGCCAAATAAAAGGAAAAAAAATTCCTGAGTTATAA-3'

ClinVar aggregate classification (germline): Uncertain significance (1 of 4 stars; one submission).

Conditions:
Marfan syndrome (MFS). Also called: FBN1-Related Marfan Syndrome; Marfan syndrome type 1; Marfan's syndrome; Marfan syndrome, classic; MARFAN SYNDROME, TYPE I. Identifiers: Orphanet 284963, Orphanet 558, MedGen C0024796, MONDO:0007947, OMIM 154700.

Submission:

Women's Health and Genetics/Laboratory Corporation of America, LabCorp
Classification: Uncertain significance for Marfan Syndrome. Last evaluated: 2011-08-18. Review status: criteria provided, single submitter. Criteria: LabCorp Variant Classification Summary - May 2015. Collection method: curation, clinical testing. Allele origin: germline. Inheritance: autosomal unknown. Affected: yes.
ClinVar note: Converted during submission from uncertain to Uncertain significance.